The following is an entry in ClinVar:

ClinVar aggregate classification (germline): Pathogenic/Likely pathogenic. Review status: criteria provided, multiple submitters, no conflicts (2 of 4 stars). 4 submissions from 4 submitters: Pathogenic (2); Likely pathogenic (2). Last evaluated 2025-10-06.

Conditions:
Ichthyosis linearis circumflexa. Identifiers: MedGen C0265962, MONDO:0043106, HP:0025810.
Netherton syndrome (NETH). Also called: NETHERTON DISEASE; ERYTHRODERMA, ICHTHYOSIFORM, WITH HYPOTRICHOSIS AND HYPER-IgE; COMEL-NETHERTON SYNDROME. Identifiers: Orphanet 634, MedGen C5574950, MONDO:0009735, OMIM 256500.

Allele frequency attached by ClinVar (database versions not stated): gnomAD 0.00001; gnomAD exomes 0.00001; TOPMed 0.00001.
gnomAD v4.1: 10 of 1,613,924 alleles (0.00062%); highest among the groups gnomAD compares: East Asian, 0.016%; no homozygotes.

Submissions (4):

Labcorp Genetics (formerly Invitae), Labcorp
Classification: Pathogenic for Ichthyosis linearis circumflexa. Last evaluated: 2025-10-06. Review status: criteria provided, single submitter. Criteria: Invitae Variant Classification Sherloc (09022015). Collection method: clinical testing. Allele origin: germline.
Comment: This sequence change replaces threonine, which is neutral and polar, with isoleucine, which is neutral and non-polar, at codon 808 of the SPINK5 protein (p.Thr808Ile). This variant is present in population databases (no rsID available, gnomAD 0.02%). This missense change has been observed in individual(s) with Netherton syndrome (PMID: 17415575, 27988933, 28943498, 30293248, 36569942). In at least one individual the data is consistent with being in trans (on the opposite chromosome) from a pathogenic variant. ClinVar contains an entry for this variant (Variation ID: 848986). Invitae Evidence Modeling of protein sequence and biophysical properties (such as structural, functional, and spatial information, amino acid conservation, physicochemical variation, residue mobility, and thermodynamic stability) indicates that this missense variant is not expected to disrupt SPINK5 protein function with a negative predictive value of 80%. For these reasons, this variant has been classified as Pathogenic.

Women's Health and Genetics/Laboratory Corporation of America, LabCorp
Classification: Pathogenic for Ichthyosis linearis circumflexa. Last evaluated: 2025-06-09. Review status: criteria provided, single submitter. Criteria: LabCorp Variant Classification Summary - May 2015. Collection method: clinical testing. Allele origin: germline.
Comment: Variant summary: SPINK5 c.2423C>T (p.Thr808Ile) results in a non-conservative amino acid change in the encoded protein sequence. Algorithms developed to predict the effect of missense changes on protein structure and function are either unavailable or do not agree on the potential impact of this missense change. The variant allele was found at a frequency of 1.2e-05 in 249498 control chromosomes. c.2423C>T has been observed in multiple individuals affected with Netherton syndrome (e.g. Lin_2007, Shi_2017, Xu_2017, Nair_2018, Yang_2022, Yan_2022). These data indicate that the variant is very likely to be associated with disease. To our knowledge, no experimental evidence demonstrating an impact on protein function has been reported. The following publications have been ascertained in the context of this evaluation (PMID: 17415575, 30293248, 28943498, 27988933, 34671977, 36569942). ClinVar contains an entry for this variant (Variation ID: 848986). Based on the evidence outlined above, the variant was classified as pathogenic.

3billion
Classification: Likely pathogenic for Netherton syndrome. Last evaluated: 2024-09-12. Review status: criteria provided, single submitter. Criteria: ACMG Guidelines, 2015. Collection method: clinical testing. Allele origin: germline. Affected: yes.
Comment: The variant is observed at an extremely low frequency in the gnomAD v4.0.0 dataset (total allele frequency: <0.001%). Predicted Consequence/Location: Missense variant. The majority of the known disease-causing variants of this gene are variants expected to result in premature termination of the protein. In silico tool predictions suggest damaging effect of the variant on gene or gene product [3Cnet: 0.99 (>=0.6, sensitivity 0.72 and precision 0.9)]. The same nucleotide change resulting in the same amino acid change has been previously reported to be associated with SPINK5 related disorder (ClinVar ID: VCV000848986). The variant has been reported to be in trans with a pathogenic variant as either compound heterozygous or homozygous in at least 2 similarly affected unrelated individuals (PMID: 17415575, 27988933). Therefore, this variant is classified as Likely pathogenic according to the recommendation of ACMG/AMP guideline.

GeneDx
Classification: Likely pathogenic. Last evaluated: 2024-08-21. Review status: criteria provided, single submitter. Criteria: GeneDx Variant Classification Process June 2021. Collection method: clinical testing. Allele origin: germline. Affected: yes.
Comment: In silico analysis indicates that this missense variant does not alter protein structure/function; This variant is associated with the following publications: (PMID: 30293248, 33556917, 33534181, 34671977, 36331057, 36694447, 27988933, 17415575, 28943498)

Literature cited by the submitters: PubMed 17415575 (cited by 3 submitters); PubMed 27988933 (cited by 3 submitters); PubMed 28943498 (cited by Labcorp Genetics (formerly Invitae), Labcorp and Women's Health and Genetics/Laboratory Corporation of America, LabCorp); PubMed 30293248 (cited by Labcorp Genetics (formerly Invitae), Labcorp and Women's Health and Genetics/Laboratory Corporation of America, LabCorp); PubMed 36569942 (cited by Labcorp Genetics (formerly Invitae), Labcorp and Women's Health and Genetics/Laboratory Corporation of America, LabCorp); PubMed 34671977 (cited by Women's Health and Genetics/Laboratory Corporation of America, LabCorp).

NM_006846.4(SPINK5):c.2423C>T (p.Thr808Ile)

Gene: SPINK5 (serine peptidase inhibitor Kazal type 5; plus strand). Cytogenetic location: 5q32.
Variant type: single nucleotide variant.
Coding change: c.2423C>T on transcript NM_006846.4 (MANE Select); coding-DNA position 2423, C replaced by T.
Protein change: p.Thr808Ile; replaces threonine 808 with isoleucine.
Molecular consequence: missense variant.
Genome position (GRCh38, 1-based): chr5:148,120,118, C>T. VCF-style: chr5-148120118-C-T. GRCh37 (hg19) VCF-style: chr5-147499681-C-T.
Other names: c.2423C>T, p.Thr808Ile (NM_001127698.2, NM_001127699.2); short protein forms T808I.
Identifiers: ClinVar variation 848986 (VCV000848986.17), dbSNP rs1212676320, ClinGen allele CA361646445.